The following is an entry in ClinVar:

NM_005902.4(SMAD3):c.445_455del (p.Glu149fs)

Gene: SMAD3 (SMAD family member 3; plus strand). Cytogenetic location: 15q22.33.
Variant type: Deletion.
Coding change: c.445_455del on transcript NM_005902.4 (MANE Select); coding-DNA positions 445 to 455, 11 bases deleted (GAGTTCCCCCC).
Protein change: p.Glu149fs; shifts the reading frame from glutamic acid 149.
Molecular consequence: frameshift variant.
Genome position (GRCh38, 1-based): chr15:67,165,297-67,165,307, GAGTTCCCCCC deleted; deleting any 11 consecutive bases within chr15:67,165,295-67,165,307 gives the same sequence; the c. name uses the placement nearest the transcript's 3' end. VCF-style (leftmost placement, unchanged base first): chr15-67165294-GCCGAGTTCCCC-G. GRCh37 (hg19) VCF-style: chr15-67457632-GCCGAGTTCCCC-G.
Other names: c.130_140del, p.Glu44fs (NM_001145102.2); c.313_323del, p.Glu105fs (NM_001145103.2); short protein forms E105fs, E149fs, E44fs.
Identifiers: ClinVar variation 1330798 (VCV001330798.12), dbSNP rs2140294805, ClinGen allele CA2573054097.

ClinVar aggregate classification (germline): Pathogenic/Likely pathogenic. Review status: criteria provided, multiple submitters, no conflicts (2 of 4 stars). 2 submissions from 2 submitters: Pathogenic (1); Likely pathogenic (1). Last evaluated 2021-12-13.

Conditions:
Familial thoracic aortic aneurysm and aortic dissection (TAAD). Also called: Thoracic aortic aneurysms and dissections. Identifiers: Orphanet 91387, MedGen C4707243, MONDO:0019625.
Aneurysm-osteoarthritis syndrome. Also called: LOEYS-DIETZ SYNDROME WITH OSTEOARTHRITIS; SMAD3-Related Loeys-Dietz Syndrome; ANEURYSMS-OSTEOARTHRITIS SYNDROME; Loeys-Dietz syndrome, type 1C. Identifiers: Orphanet 284984, MedGen C3151087, MONDO:0013426, OMIM 613795.

Submissions (2):

Labcorp Genetics (formerly Invitae), Labcorp
Classification: Pathogenic for Familial thoracic aortic aneurysm and aortic dissection. Last evaluated: 2021-12-13. Review status: criteria provided, single submitter. Criteria: Invitae Variant Classification Sherloc (09022015). Collection method: clinical testing. Allele origin: germline.
Comment: For these reasons, this variant has been classified as Pathogenic. This variant has not been reported in the literature in individuals affected with SMAD3-related conditions. This variant is not present in population databases (gnomAD no frequency). This sequence change creates a premature translational stop signal (p.Glu149Thrfs*13) in the SMAD3 gene. It is expected to result in an absent or disrupted protein product. Loss-of-function variants in SMAD3 are known to be pathogenic (PMID: 21778426, 24804794).

ARUP Laboratories, Molecular Genetics and Genomics, ARUP Laboratories
Classification: Likely pathogenic for Aneurysm-osteoarthritis syndrome. Last evaluated: 2021-09-18. Review status: criteria provided, single submitter. Criteria: ARUP Molecular Germline Variant Investigation Process 2021. Collection method: clinical testing. Allele origin: germline.
Comment: The SMAD3 c.445_455del, p.Glu149ThrfsTer13 variant, to our knowledge, is not reported in the medical literature or gene specific databases. This variant is absent from the Genome Aggregation Database, indicating it is not a common polymorphism. This variant causes a frameshift by deleting 11 nucleotides, so it is predicted to result in a truncated protein or mRNA subject to nonsense-mediated decay. Additionally, several downstream truncating variants have been described in individuals with Loeys-Dietz syndrome and thoracic aortic disorder and are considered pathogenic (Hostetler 2019, Schepers 2018). Based on available information, this variant is considered to be likely pathogenic. References: Hostetler EM et al. SMAD3 pathogenic variants: risk for thoracic aortic disease and associated complications from the Montalcino Aortic Consortium. J Med Genet. 2019 Apr;56(4):252-260. PMID: 30661052. Schepers D et al. A mutation update on the LDS-associated genes TGFB2/3 and SMAD2/3. Hum Mutat. 2018 May;39(5):621-634. PMID: 29392890.

Literature cited by the submitters: PubMed 21778426 (cited by Labcorp Genetics (formerly Invitae), Labcorp); PubMed 24804794 (cited by Labcorp Genetics (formerly Invitae), Labcorp).